The following is an entry in ClinVar:

ClinVar aggregate classification (germline): Uncertain significance. Review status: criteria provided, multiple submitters, no conflicts (2 of 4 stars). 2 submissions from 2 submitters: Uncertain significance (2). Last evaluated 2025-03-06.

Conditions:
Inborn genetic diseases. Identifiers: MedGen C0950123, MeSH D030342.

Allele frequency attached by ClinVar (database versions not stated): ExAC 0.00001; gnomAD 0.00004; ESP Exome Variant Server 0.00008.
gnomAD v4.1: 65 of 1,436,476 alleles (0.0045%); highest among the groups gnomAD compares: African/African-American, 0.0073%; no homozygotes.

Submissions (2):

Ambry Genetics
Classification: Uncertain significance for Inborn genetic diseases. Last evaluated: 2025-03-06. Review status: criteria provided, single submitter. Criteria: Ambry Variant Classification Scheme 2023. Collection method: clinical testing. Allele origin: germline.

Labcorp Genetics (formerly Invitae), Labcorp
Classification: Uncertain significance. Last evaluated: 2023-07-25. Review status: criteria provided, single submitter. Criteria: Invitae Variant Classification Sherloc (09022015). Collection method: clinical testing. Allele origin: germline.
Comment: This sequence change replaces glutamine, which is neutral and polar, with leucine, which is neutral and non-polar, at codon 489 of the ADAMTS10 protein (p.Gln489Leu). This variant is present in population databases (rs368552790, gnomAD 0.01%). This variant has not been reported in the literature in individuals affected with ADAMTS10-related conditions. An algorithm developed to predict the effect of missense changes on protein structure and function (PolyPhen-2) suggests that this variant¬†is likely to be tolerated. Algorithms developed to predict the effect of sequence changes on RNA splicing suggest that this variant may disrupt the consensus splice site. In summary, the available evidence is currently insufficient to determine the role of this variant in disease. Therefore, it has been classified as a Variant of Uncertain Significance.

NM_030957.4(ADAMTS10):c.1466A>T (p.Gln489Leu)

Gene: ADAMTS10 (ADAM metallopeptidase with thrombospondin type 1 motif 10; minus strand). Cytogenetic location: 19p13.2.
Variant type: single nucleotide variant.
Coding change: c.1466A>T on transcript NM_030957.4 (MANE Select); coding-DNA position 1466, A replaced by T.
Protein change: p.Gln489Leu; replaces glutamine 489 with leucine.
Molecular consequence: missense variant.
Genome position (GRCh38, 1-based): chr19:8,595,775, T>A on the plus strand (A>T on the coding strand, the complement: ADAMTS10 is on the minus strand). VCF-style: chr19-8595775-T-A. GRCh37 (hg19) VCF-style: chr19-8660659-T-A.
Other names: c.1466A>T (NM_030957.2); short protein forms Q489L.
Identifiers: ClinVar variation 2918986 (VCV002918986.2), dbSNP rs368552790, ClinGen allele CA9160512.